The following is an entry in ClinVar:

NM_004380.3(CREBBP):c.6730A>C (p.Met2244Leu)

Gene: CREBBP (CREB binding lysine acetyltransferase; minus strand). Cytogenetic location: 16p13.3.
Variant type: single nucleotide variant.
Coding change: c.6730A>C on transcript NM_004380.3 (MANE Select); coding-DNA position 6730, A replaced by C.
Protein change: p.Met2244Leu; replaces methionine 2244 with leucine.
Molecular consequence: missense variant.
Genome position (GRCh38, 1-based): chr16:3,728,317, T>G on the plus strand (A>C on the coding strand, the complement: CREBBP is on the minus strand). VCF-style: chr16-3728317-T-G. GRCh37 (hg19) VCF-style: chr16-3778318-T-G.
Other names: c.6616A>C, p.Met2206Leu (NM_001079846.1); short protein forms M2244L, M2206L.
Identifiers: ClinVar variation 2990301 (VCV002990301.3), dbSNP rs2151301901, ClinGen allele CA394552069.

ClinVar aggregate classification (germline): Uncertain significance (1 of 4 stars; one submission).

Conditions:
Rubinstein-Taybi syndrome (RSTS). Identifiers: Orphanet 783, MedGen C0035934, MONDO:0019188.

Submission:

Labcorp Genetics (formerly Invitae), Labcorp
Classification: Uncertain significance for Rubinstein-Taybi syndrome. Last evaluated: 2024-09-23. Review status: criteria provided, single submitter. Criteria: Invitae Variant Classification Sherloc (09022015). Collection method: clinical testing. Allele origin: germline.
Comment: This sequence change replaces methionine, which is neutral and non-polar, with leucine, which is neutral and non-polar, at codon 2244 of the CREBBP protein (p.Met2244Leu). This variant is not present in population databases (gnomAD no frequency). This variant has not been reported in the literature in individuals affected with CREBBP-related conditions. An algorithm developed to predict the effect of missense changes on protein structure and function outputs the following: PolyPhen-2: "Not Available". The leucine amino acid residue is found in multiple mammalian species, which suggests that this missense change does not adversely affect protein function. In summary, the available evidence is currently insufficient to determine the role of this variant in disease. Therefore, it has been classified as a Variant of Uncertain Significance.